The following is an entry in ClinVar:

ClinVar aggregate classification (germline): Uncertain significance (1 of 4 stars; one submission).

Submission:

Labcorp Genetics (formerly Invitae), Labcorp
Classification: Uncertain significance. Last evaluated: 2022-06-13. Review status: criteria provided, single submitter. Criteria: Invitae Variant Classification Sherloc (09022015). Collection method: clinical testing. Allele origin: germline.
Comment: In summary, the available evidence is currently insufficient to determine the role of this variant in disease. Therefore, it has been classified as a Variant of Uncertain Significance. Algorithms developed to predict the effect of missense changes on protein structure and function output the following: SIFT: "Tolerated"; PolyPhen-2: "Not Available"; Align-GVGD: "Class C0". The serine amino acid residue is found in multiple mammalian species, which suggests that this missense change does not adversely affect protein function. This missense change has been observed in individual(s) with clinical features of TOPORS-related conditions (Invitae). This variant is not present in population databases (gnomAD no frequency). This sequence change replaces asparagine, which is neutral and polar, with serine, which is neutral and polar, at codon 1010 of the TOPORS protein (p.Asn1010Ser).

NM_005802.5(TOPORS):c.3029A>G (p.Asn1010Ser)

Gene: TOPORS (TOP1 binding arginine/serine rich protein, E3 ubiquitin ligase; minus strand). Cytogenetic location: 9p21.1.
Variant type: single nucleotide variant.
Coding change: c.3029A>G on transcript NM_005802.5 (MANE Select); coding-DNA position 3029, A replaced by G.
Protein change: p.Asn1010Ser; replaces asparagine 1010 with serine.
Molecular consequence: missense variant.
Genome position (GRCh38, 1-based): chr9:32,541,496, T>C on the plus strand (A>G on the coding strand, the complement: TOPORS is on the minus strand). VCF-style: chr9-32541496-T-C. GRCh37 (hg19) VCF-style: chr9-32541494-T-C.
Other names: c.2834A>G, p.Asn945Ser (NM_001195622.2); short protein forms N1010S, N945S.
Identifiers: ClinVar variation 1525864 (VCV001525864.8), dbSNP rs2118964076, ClinGen allele CA373159532.
Genomic context (GRCh38, chr9:32,541,496, plus strand): 5'-CGTGGCGATGGCAATTGCCTTGATGGCTCAGTTTGAAGAGACACAATGTTACTGGGCTGG[T>C]TCTCCAAATCAGAAACAAAGGTGCTCTCTTCTCTTACATCGAGAGTTTGTTCAACTGAAG-3'
Protein context (NP_005793.2, residues 1000-1020): EESTFVSDLE[Asn1010Ser]QPSNIVSLQT